The following is an entry in ClinVar:

NM_002435.3(MPI):c.1178G>C (p.Gly393Ala)

Gene: MPI (mannose phosphate isomerase; plus strand). Cytogenetic location: 15q24.1.
Variant type: single nucleotide variant.
Coding change: c.1178G>C on transcript NM_002435.3 (MANE Select); coding-DNA position 1178, G replaced by C.
Protein change: p.Gly393Ala; replaces glycine 393 with alanine.
Molecular consequence: missense variant. On other transcripts: 3 prime UTR variant (1).
Genome position (GRCh38, 1-based): chr15:74,897,636, G>C. VCF-style: chr15-74897636-G-C. GRCh37 (hg19) VCF-style: chr15-75189977-G-C.
Other names: c.*105G>C (NM_001289155.2); c.1028G>C, p.Gly343Ala (NM_001289156.2); c.995G>C, p.Gly332Ala (NM_001289157.2); c.1118G>C, p.Gly373Ala (NM_001330372.2); short protein forms G393A, G373A, G343A, G332A.
Identifiers: ClinVar variation 317143 (VCV000317143.14), dbSNP rs201815588, ClinGen allele CA7662664.

ClinVar aggregate classification (germline): Uncertain significance. Review status: criteria provided, multiple submitters, no conflicts (2 of 4 stars). 7 submissions from 7 submitters: Uncertain significance (6). 1 of the submissions does not count toward it. Last evaluated 2025-11-23.

Conditions:
MPI-congenital disorder of glycosylation. Also called: MPI DEFICIENCY; MANNOSEPHOSPHATE ISOMERASE DEFICIENCY; PROTEIN-LOSING ENTEROPATHY-HEPATIC FIBROSIS SYNDROME; MPI-CDG; CONGENITAL DISORDER OF GLYCOSYLATION, TYPE Ib; CDG Ib. Identifiers: Orphanet 79319, MedGen C1865145, MONDO:0011257, OMIM 602579.

Allele frequency attached by ClinVar (database versions not stated): 1000 Genomes Project 30x 0.00016; gnomAD exomes 0.00019 and 0.00003; 1000 Genomes Project 0.00020; TOPMed 0.00010; ExAC 0.00019.
gnomAD v4.1: 52 of 1,614,212 alleles (0.0032%); highest among the groups gnomAD compares: Admixed American, 0.085%; no homozygotes.

Submissions (7):

3billion
Classification: Uncertain significance for MPI-congenital disorder of glycosylation. Last evaluated: 2025-11-23. Review status: criteria provided, single submitter. Criteria: ACMG Guidelines, 2015. Collection method: clinical testing. Allele origin: germline. Affected: yes.
Comment: The variant is observed at an extremely low frequency in the gnomAD v4.1.0 dataset (total allele frequency: 0.003%). Predicted Consequence/Location: Missense variant. In silico tool predictions suggest damaging effect of the variant on gene or gene product [REVEL: 0.90 (>=0.6, sensitivity 0.68 and specificity 0.92); 3Cnet: 0.99 (> 0.75, sensitivity 0.96 and precision 0.92)]. The same nucleotide change resulting in the same amino acid change has been previously reported to be associated with MPI-related disorder (PMID: 32905087). However, the evidence of pathogenicity is insufficient at this time. Therefore, this variant is classified as VUS according to the recommendation of ACMG/AMP guideline.

Women's Health and Genetics/Laboratory Corporation of America, LabCorp
Classification: Uncertain significance. Last evaluated: 2025-03-24. Review status: criteria provided, single submitter. Criteria: LabCorp Variant Classification Summary - May 2015. Collection method: clinical testing. Allele origin: germline.
Comment: Variant summary: MPI c.1178G>C (p.Gly393Ala) results in a non-conservative amino acid change in the encoded protein sequence. Five of five in-silico tools predict a damaging effect of the variant on protein function. The variant allele was found at a frequency of 0.00019 in 251494 control chromosomes (gnomAD). This frequency is not significantly higher than estimated for a pathogenic variant in MPI causing Congenital Disorder Of Glycosylation Type 1B (0.00019 vs 0.0011), allowing no conclusion about variant significance. c.1178G>C has been reported in the literature in an individual affected with Congenital Disorder Of Glycosylation Type 1B (Muhlhausen_2020). These data do not allow any conclusion about variant significance. To our knowledge, no experimental evidence demonstrating an impact on protein function has been reported. The following publication has been ascertained in the context of this evaluation (PMID: 32905087). ClinVar contains an entry for this variant (Variation ID: 317143). Based on the evidence outlined above, the variant was classified as uncertain significance.

GeneDx
Classification: Uncertain significance. Last evaluated: 2023-06-14. Review status: criteria provided, single submitter. Criteria: GeneDx Variant Classification Process June 2021. Collection method: clinical testing. Allele origin: germline. Affected: yes.
Comment: Observed with a second MPI variant but it is not known whether the variants occurred on the same (in cis) or on different (in trans) chromosomes; In silico analysis supports that this missense variant has a deleterious effect on protein structure/function; This variant is associated with the following publications: (PMID: 32905087)

Labcorp Genetics (formerly Invitae), Labcorp
Classification: Uncertain significance for MPI-congenital disorder of glycosylation. Last evaluated: 2022-06-28. Review status: criteria provided, single submitter. Criteria: Invitae Variant Classification Sherloc (09022015). Collection method: clinical testing. Allele origin: germline.
Comment: This sequence change replaces glycine, which is neutral and non-polar, with alanine, which is neutral and non-polar, at codon 393 of the MPI protein (p.Gly393Ala). This variant is present in population databases (rs201815588, gnomAD 0.1%). This missense change has been observed in individual(s) with congenital disorder of glycosylation type 1b (PMID: 32905087). ClinVar contains an entry for this variant (Variation ID: 317143). Algorithms developed to predict the effect of missense changes on protein structure and function (SIFT, PolyPhen-2, Align-GVGD) all suggest that this variant is likely to be disruptive. In summary, the available evidence is currently insufficient to determine the role of this variant in disease. Therefore, it has been classified as a Variant of Uncertain Significance.

Baylor Genetics
Classification: Uncertain significance for MPI-congenital disorder of glycosylation. Last evaluated: 2018-08-30. Review status: criteria provided, single submitter. Criteria: ACMG Guidelines, 2015. Collection method: clinical testing. Allele origin: unknown. Affected: yes.
Comment: This variant was determined to be of uncertain significance according to ACMG Guidelines, 2015 [PMID:25741868].

Illumina Laboratory Services, Illumina
Classification: Uncertain significance for MPI-congenital disorder of glycosylation. Last evaluated: 2018-01-13. Review status: criteria provided, single submitter. Criteria: ICSL Variant Classification Criteria 13 December 2019. Collection method: clinical testing. Allele origin: germline.

Natera, Inc.
Classification: Uncertain significance for Congenital disorder of glycosylation type 1b. Last evaluated: 2020-02-21. Review status: no assertion criteria provided. Collection method: clinical testing. Allele origin: germline. Not counted in ClinVar's aggregate classification.

Literature cited by the submitters: PubMed 32905087 (cited by 3 submitters).